The following is an entry in ClinVar:

ClinVar aggregate classification (germline): Uncertain significance. Review status: criteria provided, single submitter (1 of 4 stars). 2 submissions from 2 submitters: Uncertain significance (1). 1 of the submissions does not count toward it. Last evaluated 2021-09-22.

Conditions:
Auriculocondylar syndrome 2 (ARCND2A). Also called: AURICULOCONDYLAR SYNDROME 2A. Identifiers: Orphanet 137888, MedGen C3553404, MONDO:0013845, OMIM 614669.

Submissions (2):

Institute of Human Genetics, University of Leipzig Medical Center
Classification: Uncertain significance for Auriculocondylar syndrome 2. Last evaluated: 2021-09-22. Review status: criteria provided, single submitter. Criteria: ACMG Guidelines, 2015. Collection method: clinical testing. Allele origin: unknown. Affected: yes.
Comment: This variant was identified as homozygous.

Clinical Genetics Laboratory, University Hospital Schleswig-Holstein
Classification: Likely pathogenic for Auriculocondylar syndrome 2. Last evaluated: 2021-09-22. Review status: no assertion criteria provided. Collection method: clinical testing. Allele origin: germline. Affected: yes. Not counted in ClinVar's aggregate classification.

NM_001377142.1(PLCB4):c.1223T>C (p.Phe408Ser)

Gene: PLCB4 (phospholipase C beta 4; plus strand). Cytogenetic location: 20p12.2.
Variant type: single nucleotide variant.
Coding change: c.1223T>C on transcript NM_001377142.1 (MANE Select); coding-DNA position 1223, T replaced by C.
Protein change: p.Phe408Ser; replaces phenylalanine 408 with serine.
Molecular consequence: missense variant.
Genome position (GRCh38, 1-based): chr20:9,389,943, T>C. VCF-style: chr20-9389943-T-C. GRCh37 (hg19) VCF-style: chr20-9370590-T-C.
Other names: c.1223T>C, p.Phe408Ser (NM_000933.4, NM_001172646.2, NM_001377134.2 and 4 more transcripts); short protein forms F408S.
Identifiers: ClinVar variation 1299329 (VCV001299329.3), dbSNP rs2148407785, ClinGen allele CA408219268.